The following is an entry in ClinVar:

NM_024417.5(FDXR):c.1114C>T (p.Pro372Ser)

Gene: FDXR (ferredoxin reductase; minus strand). Cytogenetic location: 17q25.1.
Variant type: single nucleotide variant.
Coding change: c.1114C>T on transcript NM_024417.5 (MANE Select); coding-DNA position 1114, C replaced by T.
Protein change: p.Pro372Ser; replaces proline 372 with serine.
Molecular consequence: missense variant. On other transcripts: non-coding transcript variant (1).
Genome position (GRCh38, 1-based): chr17:74,863,956, G>A on the plus strand (C>T on the coding strand, the complement: FDXR is on the minus strand). VCF-style: chr17-74863956-G-A. GRCh37 (hg19) VCF-style: chr17-72860078-G-A.
Other names: c.1243C>T, p.Pro415Ser (NM_001258012.4); c.1207C>T, p.Pro403Ser (NM_001258013.4); c.1090C>T, p.Pro364Ser (NM_001258014.4); c.994C>T, p.Pro332Ser (NM_001258015.3); c.958C>T, p.Pro320Ser (NM_001258016.3); c.1132C>T, p.Pro378Ser (NM_004110.6); short protein forms P320S, P332S, P364S, P372S, P378S, P403S, P415S.
Identifiers: ClinVar variation 2662381 (VCV002662381.1), dbSNP rs2509774144, ClinGen allele CA400967165.
Genomic context (GRCh38, chr17:74,863,956, plus strand): 5'-CTGGCACATCCATAACCCGGCCCTCCACATTGGGGATGACCCCAAGCTTGGAGTCAAAGG[G>A]CACGCTTGGGTCGACAGGGCGGCTCTTATACCCAATGCTGCTGAGCACCAGCCCACAAGG-3'
Protein context (NP_077728.3, residues 362-382): YKSRPVDPSV[Pro372Ser]FDSKLGVIPN

ClinVar aggregate classification (germline): Uncertain significance (1 of 4 stars; one submission).

gnomAD v4.1: 2 of 1,614,062 alleles (0.00012%); highest among the groups gnomAD compares: Middle Eastern, 0.016%; no homozygotes.

Submission:

GeneDx
Classification: Uncertain significance. Last evaluated: 2023-10-03. Review status: criteria provided, single submitter. Criteria: GeneDx Variant Classification Process June 2021. Collection method: clinical testing. Allele origin: germline. Affected: yes.
Comment: Not observed at significant frequency in large population cohorts (gnomAD); In silico analysis supports that this missense variant has a deleterious effect on protein structure/function; Has not been previously published as pathogenic or benign to our knowledge